The following is an entry in ClinVar:

ClinVar aggregate classification (germline): Conflicting classifications of pathogenicity. Review status: criteria provided, conflicting classifications (1 of 4 stars). 2 submissions from 2 submitters: Uncertain significance (1); Likely benign (1). Last evaluated 2022-06-30.

Conditions:
Dilated cardiomyopathy 1CC (CMD1CC). Identifiers: Orphanet 154, MedGen C2751084, MONDO:0013147, OMIM 613122.
Hypertrophic cardiomyopathy 20. Identifiers: MedGen C3151267, MONDO:0013477, OMIM 613876.

Allele frequency attached by ClinVar (database versions not stated): gnomAD 0.00003 and 0.00004.
gnomAD v4.1: 13 of 1,611,440 alleles (0.00081%); highest among the groups gnomAD compares: Non-Finnish European, 0.000085%; no homozygotes.

Submissions (2):

Blueprint Genetics
Classification: Likely benign. Last evaluated: 2022-06-30. Review status: criteria provided, single submitter. Criteria: ACMG Guidelines, 2015. Collection method: clinical testing. Allele origin: germline.

Labcorp Genetics (formerly Invitae), Labcorp
Classification: Uncertain significance for Dilated cardiomyopathy 1CC; Hypertrophic cardiomyopathy 20. Last evaluated: 2017-10-12. Review status: criteria provided, single submitter. Criteria: Invitae Variant Classification Sherloc (09022015). Collection method: clinical testing. Allele origin: germline.
Comment: This sequence change replaces serine with isoleucine at codon 665 of the NEXN protein (p.Ser665Ile). The serine residue is highly conserved and there is a large physicochemical difference between serine and isoleucine. This variant is present in population databases (rs777703689, ExAC 0.02%). This variant has not been reported in the literature in individuals with NEXN-related disease. Algorithms developed to predict the effect of missense changes on protein structure and function do not agree on the potential impact of this missense change (SIFT: "Deleterious"; PolyPhen-2: "Probably Damaging"; Align-GVGD: "Class C0"). In summary, the available evidence is currently insufficient to determine the role of this variant in disease. Therefore, it has been classified as a Variant of Uncertain Significance.

NM_144573.4(NEXN):c.1994G>T (p.Ser665Ile)

Gene: NEXN (nexilin F-actin binding protein; plus strand). Cytogenetic location: 1p31.1.
Variant type: single nucleotide variant.
Coding change: c.1994G>T on transcript NM_144573.4 (MANE Select); coding-DNA position 1994, G replaced by T.
Protein change: p.Ser665Ile; replaces serine 665 with isoleucine.
Molecular consequence: missense variant.
Genome position (GRCh38, 1-based): chr1:77,942,795, G>T. VCF-style: chr1-77942795-G-T. GRCh37 (hg19) VCF-style: chr1-78408480-G-T.
Other names: c.1802G>T, p.Ser601Ile (NM_001172309.2); short protein forms S665I, S601I.
Identifiers: ClinVar variation 538111 (VCV000538111.2), dbSNP rs777703689, ClinGen allele CA919015.